The following is an entry in ClinVar:

ClinVar aggregate classification (germline): Uncertain significance (1 of 4 stars; one submission).

Conditions:
Hereditary pheochromocytoma and paraganglioma. Also called: Hereditary paragangliomas and pheochromocytomas; Hereditary Paraganglioma-Pheochromocytoma Syndromes; Hereditary pheochromocytoma-paraganglioma. Identifiers: Orphanet 29072, MedGen C4274332, MONDO:0017366.

Submission:

Labcorp Genetics (formerly Invitae), Labcorp
Classification: Uncertain significance for Hereditary pheochromocytoma and paraganglioma. Last evaluated: 2024-01-18. Review status: criteria provided, single submitter. Criteria: Invitae Variant Classification Sherloc (09022015). Collection method: clinical testing. Allele origin: germline.
Comment: This variant, c.109_120dup, results in the insertion of 4 amino acid(s) of the TMEM127 protein (p.Gly37_Ser40dup), but otherwise preserves the integrity of the reading frame. This variant is not present in population databases (gnomAD no frequency). This variant has not been reported in the literature in individuals affected with TMEM127-related conditions. ClinVar contains an entry for this variant (Variation ID: 1346601). Experimental studies and prediction algorithms are not available or were not evaluated, and the functional significance of this variant is currently unknown. In summary, the available evidence is currently insufficient to determine the role of this variant in disease. Therefore, it has been classified as a Variant of Uncertain Significance.

NM_017849.4(TMEM127):c.109_120dup (p.Gly37_Ser40dup)

Genes: TMEM127 (transmembrane protein 127; minus strand), LOC129934333 (ATAC-STARR-seq lymphoblastoid silent region 11759; plus strand). Cytogenetic location: 2q11.2.
Variant type: Duplication.
Coding change: c.109_120dup on transcript NM_017849.4 (MANE Select); coding-DNA positions 109 to 120, 12 bases duplicated (GGCGCCCTGTCT).
Protein change: p.Gly37_Ser40dup.
Molecular consequence: inframe insertion.
Genome position (GRCh38, 1-based): chr2:96,265,262-96,265,273, AGACAGGGCGCC duplicated on the plus strand (GGCGCCCTGTCT on the coding strand, the reverse complement: TMEM127 is on the minus strand); duplicating any 12 consecutive bases within chr2:96,265,262-96,265,275 gives the same sequence; the c. name uses the placement nearest the transcript's 3' end. VCF-style (leftmost placement, unchanged base first): chr2-96265261-T-TAGACAGGGCGCC. GRCh37 (hg19) VCF-style: chr2-96930999-T-TAGACAGGGCGCC.
Other names: c.109_120dup, p.Gly37_Ser40dup (NM_001193304.3).
Identifiers: ClinVar variation 1346601 (VCV001346601.6), dbSNP rs2104307941, ClinGen allele CA2573135958.
Genomic context (GRCh38, chr2:96,265,261, plus strand): 5'-AGGTGCCTCCGTGGATGTGCAACCAGGCGGGCTCGGCGAGGGCAGTGCACAGCGCCGTGA[T>TAGACAGGGCGCC]AGACAGGGCGCCAGGCAGGGCCGAGGCCAGGCTACGCTCCGGCTGCTTGGGCAGAGCGCT-3'